The following is an entry in ClinVar:

NM_001365536.1(SCN9A):c.378-90T>A

Gene: SCN9A (sodium voltage-gated channel alpha subunit 9; minus strand). Cytogenetic location: 2q24.3.
Variant type: single nucleotide variant.
Coding change: c.378-90T>A on transcript NM_001365536.1 (MANE Select); 90 bases into the intron before coding-DNA position 378, T replaced by A.
Molecular consequence: intron variant.
Genome position (GRCh38, 1-based): chr2:166,306,689, A>T on the plus strand (T>A on the coding strand, the complement: SCN9A is on the minus strand). VCF-style: chr2-166306689-A-T. GRCh37 (hg19) VCF-style: chr2-167163199-A-T.
Other names: c.378-90T>A (NM_002977.4).
Identifiers: ClinVar variation 3255241 (VCV003255241.2), dbSNP rs9646772.

ClinVar aggregate classification (germline): Benign (1 of 4 stars; one submission).

Allele frequency attached by ClinVar (database versions not stated): gnomAD exomes 0.63768; 1000 Genomes Project 0.64956; 1000 Genomes Project 30x 0.65771; gnomAD 0.69593; TOPMed 0.70365.
gnomAD v4.1: 606,170 of 936,466 alleles (65%); highest among the groups gnomAD compares: African/African-American, 85%; 199,205 homozygotes.

Submission:

Unidad de Genómica Garrahan, Hospital de Pediatría Garrahan
Classification: Benign. Last evaluated: 2024-07-15. Review status: criteria provided, single submitter. Criteria: ACMG Guidelines, 2015. Collection method: clinical testing. Allele origin: germline. Affected: no. Observed: 69 variant alleles.
Comment: This variant is classified as Benign based on local population frequency. This variant was detected in 74% of patients studied in a panel designed for Epileptic and Developmental Encephalopathy and Progressive Myoclonus Epilepsy. Number of patients: 69. Only high quality variants are reported.